The following is an entry in ClinVar:

NM_003791.4(MBTPS1):c.72A>T (p.Arg24Ser)

Gene: MBTPS1 (membrane bound transcription factor peptidase, site 1; minus strand). Cytogenetic location: 16q24.1.
Variant type: single nucleotide variant.
Coding change: c.72A>T on transcript NM_003791.4 (MANE Select); coding-DNA position 72, A replaced by T.
Protein change: p.Arg24Ser; replaces arginine 24 with serine.
Molecular consequence: missense variant.
Genome position (GRCh38, 1-based): chr16:84,101,712, T>A on the plus strand (A>T on the coding strand, the complement: MBTPS1 is on the minus strand). VCF-style: chr16-84101712-T-A. GRCh37 (hg19) VCF-style: chr16-84135317-T-A.
Other names: short protein forms R24S.
Identifiers: ClinVar variation 4694052 (VCV004694052.1).
Genomic context (GRCh38, chr16:84,101,712, plus strand): 5'-CTTCAAAGTCAGGTGGGAACAGCCAGGGCATGGGGCCTTTTCAAAAGATTTCTTTTCCAG[T>A]CTGTCGCCCAGATGTTTCTTCCCACAGAGCAAAACCACGAGCAGAAGCAGCCAGATGTTG-3'
Protein context (NP_003782.1, residues 14-34): LLCGKKHLGD[Arg24Ser]LEKKSFEKAP

ClinVar aggregate classification (germline): Uncertain significance (1 of 4 stars; one submission).

gnomAD v4.1: 1 of 1,614,150 alleles (0.000062%); highest among the groups gnomAD compares: South Asian, 0.0011%; no homozygotes.

Submission:

Labcorp Genetics (formerly Invitae), Labcorp
Classification: Uncertain significance. Last evaluated: 2025-11-03. Review status: criteria provided, single submitter. Criteria: Invitae Variant Classification Sherloc (09022015). Collection method: clinical testing. Allele origin: germline.
Comment: This sequence change replaces arginine, which is basic and polar, with serine, which is neutral and polar, at codon 24 of the MBTPS1 protein (p.Arg24Ser). This variant is present in population databases (no rsID available, gnomAD 0.003%). This variant has not been reported in the literature in individuals affected with MBTPS1-related conditions. An algorithm developed to predict the effect of missense changes on protein structure and function (PolyPhen-2) suggests that this variant is likely to be tolerated. In summary, the available evidence is currently insufficient to determine the role of this variant in disease. Therefore, it has been classified as a Variant of Uncertain Significance.